The following is an entry in ClinVar:

ClinVar aggregate classification (germline): Uncertain significance (1 of 4 stars; one submission).

Allele frequency attached by ClinVar (database versions not stated): TOPMed below 0.00001; ExAC 0.00002.
gnomAD v4.1: 6 of 1,612,898 alleles (0.00037%); highest among the groups gnomAD compares: Admixed American, 0.01%; no homozygotes.

Submission:

Labcorp Genetics (formerly Invitae), Labcorp
Classification: Uncertain significance. Last evaluated: 2025-06-23. Review status: criteria provided, single submitter. Criteria: Invitae Variant Classification Sherloc (09022015). Collection method: clinical testing. Allele origin: germline.
Comment: This sequence change replaces valine, which is neutral and non-polar, with isoleucine, which is neutral and non-polar, at codon 2880 of the VPS13A protein (p.Val2880Ile). This variant is present in population databases (rs749862483, gnomAD 0.01%). This variant has not been reported in the literature in individuals affected with VPS13A-related conditions. ClinVar contains an entry for this variant (Variation ID: 1922220). Invitae Evidence Modeling of protein sequence and biophysical properties (such as structural, functional, and spatial information, amino acid conservation, physicochemical variation, residue mobility, and thermodynamic stability) indicates that this missense variant is expected to disrupt VPS13A protein function with a positive predictive value of 80%. Algorithms developed to predict the effect of sequence changes on RNA splicing suggest that this variant may disrupt the consensus splice site. In summary, the available evidence is currently insufficient to determine the role of this variant in disease. Therefore, it has been classified as a Variant of Uncertain Significance.

NM_033305.3(VPS13A):c.8638G>A (p.Val2880Ile)

Gene: VPS13A (vacuolar protein sorting 13 homolog A; plus strand). Cytogenetic location: 9q21.2.
Variant type: single nucleotide variant.
Coding change: c.8638G>A on transcript NM_033305.3 (MANE Select); coding-DNA position 8638, G replaced by A.
Protein change: p.Val2880Ile; replaces valine 2880 with isoleucine.
Molecular consequence: missense variant.
Genome position (GRCh38, 1-based): chr9:77,369,383, G>A. VCF-style: chr9-77369383-G-A. GRCh37 (hg19) VCF-style: chr9-79984299-G-A.
Other names: c.8521G>A, p.Val2841Ile (NM_001018037.2); c.8638G>A, p.Val2880Ile (NM_001018038.3, NM_015186.4); short protein forms V2841I, V2880I.
Identifiers: ClinVar variation 1922220 (VCV001922220.3), dbSNP rs749862483, ClinGen allele CA5093697.